The following is an entry in ClinVar:

ClinVar aggregate classification (germline): Uncertain significance (1 of 4 stars; one submission).

Conditions:
Dyskeratosis congenita. Identifiers: Orphanet 1775, MedGen C0265965, MONDO:0015780.

Allele frequency attached by ClinVar (database versions not stated): gnomAD exomes below 0.00001.
gnomAD v4.1: 1 of 1,614,236 alleles (0.000062%); highest among the groups gnomAD compares: South Asian, 0.0011%; no homozygotes.

Submission:

Labcorp Genetics (formerly Invitae), Labcorp
Classification: Uncertain significance for Dyskeratosis congenita. Last evaluated: 2022-12-06. Review status: criteria provided, single submitter. Criteria: Invitae Variant Classification Sherloc (09022015). Collection method: clinical testing. Allele origin: germline.
Comment: Algorithms developed to predict the effect of missense changes on protein structure and function are either unavailable or do not agree on the potential impact of this missense change (SIFT: "Tolerated"; PolyPhen-2: "Possibly Damaging"; Align-GVGD: "Class C0"). In summary, the available evidence is currently insufficient to determine the role of this variant in disease. Therefore, it has been classified as a Variant of Uncertain Significance. This sequence change replaces threonine, which is neutral and polar, with isoleucine, which is neutral and non-polar, at codon 424 of the TINF2 protein (p.Thr424Ile). This variant is not present in population databases (gnomAD no frequency). This variant has not been reported in the literature in individuals affected with TINF2-related conditions. ClinVar contains an entry for this variant (Variation ID: 1404106).

NM_001099274.3(TINF2):c.1271C>T (p.Thr424Ile)

Gene: TINF2 (TERF1 interacting nuclear factor 2; minus strand). Cytogenetic location: 14q12.
Variant type: single nucleotide variant.
Coding change: c.1271C>T on transcript NM_001099274.3 (MANE Select); coding-DNA position 1271, C replaced by T.
Protein change: p.Thr424Ile; replaces threonine 424 with isoleucine.
Molecular consequence: missense variant. On other transcripts: 3 prime UTR variant (1).
Genome position (GRCh38, 1-based): chr14:24,239,882, G>A on the plus strand (C>T on the coding strand, the complement: TINF2 is on the minus strand). VCF-style: chr14-24239882-G-A. GRCh37 (hg19) VCF-style: chr14-24709088-G-A.
Other names: c.1166C>T, p.Thr389Ile (NM_001363668.2); c.*533C>T (NM_012461.3); short protein forms T389I, T424I.
Identifiers: ClinVar variation 1404106 (VCV001404106.8), dbSNP rs1346082542, ClinGen allele CA389219935.